The following is an entry in ClinVar:

ClinVar aggregate classification (germline): Uncertain significance (1 of 4 stars; one submission).

Conditions:
RYR1-related disorder. Also called: RYR1-related condition; RYR1-related disorders. Identifiers: MedGen CN239331.

Submission:

PreventionGenetics, part of Exact Sciences
Classification: Uncertain significance for RYR1-related condition. Last evaluated: 2023-08-09. Review status: criteria provided, single submitter. Criteria: ACMG Guidelines, 2015. Collection method: clinical testing. Allele origin: germline.
Comment: The RYR1 c.12332T>G variant is predicted to result in the amino acid substitution p.Leu4111Arg. To our knowledge, this variant has not been reported in the literature or in a large population database, indicating this variant is rare. At this time, the clinical significance of this variant is uncertain due to the absence of conclusive functional and genetic evidence.

NM_000540.3(RYR1):c.12332T>G (p.Leu4111Arg)

Gene: RYR1 (ryanodine receptor 1; plus strand). Cytogenetic location: 19q13.2.
Variant type: single nucleotide variant.
Coding change: c.12332T>G on transcript NM_000540.3 (MANE Select); coding-DNA position 12332, T replaced by G.
Protein change: p.Leu4111Arg; replaces leucine 4111 with arginine.
Molecular consequence: missense variant.
Genome position (GRCh38, 1-based): chr19:38,561,162, T>G. VCF-style: chr19-38561162-T-G. GRCh37 (hg19) VCF-style: chr19-39051802-T-G.
Other names: c.12317T>G, p.Leu4106Arg (NM_001042723.2); short protein forms L4106R, L4111R.
Identifiers: ClinVar variation 2631462 (VCV002631462.1), dbSNP rs1973116925, ClinGen allele CA405668149.
Genomic context (GRCh38, chr19:38,561,162, plus strand): 5'-CCCGCCCCCAGGCCATGGACAGCCAGAAGCAGTTCAGCGGTCCAGAAATCCAGTTCCTGC[T>G]TTCGTGCTCCGAAGCGGATGAGAACGAAATGATCAACTGCGAAGAGTTCGCCAACCGCTT-3'
Protein context (NP_000531.2, residues 4101-4121): QFSGPEIQFL[Leu4111Arg]SCSEADENEM